The following is an entry in ClinVar:

NM_001005242.3(PKP2):c.222C>T (p.Asn74=)

Gene: PKP2 (plakophilin 2; minus strand). Cytogenetic location: 12p11.21.
Variant type: single nucleotide variant.
Coding change: c.222C>T on transcript NM_001005242.3 (MANE Select); coding-DNA position 222, C replaced by T.
Protein change: p.Asn74=; no amino-acid change (asparagine 74 retained).
Molecular consequence: synonymous variant. On other transcripts: 5 prime UTR variant (4).
Genome position (GRCh38, 1-based): chr12:32,896,510, G>A on the plus strand (C>T on the coding strand, the complement: PKP2 is on the minus strand). VCF-style: chr12-32896510-G-A. GRCh37 (hg19) VCF-style: chr12-33049444-G-A.
Other names: c.222C>T, p.Asn74= (NM_001407155.1, NM_001407156.1, NM_001407157.1 and 2 more transcripts); c.-605C>T (NM_001407158.1, NM_001407162.1); c.-369C>T (NM_001407159.1, NM_001407160.1).
Identifiers: ClinVar variation 3072110 (VCV003072110.1), dbSNP rs753180642, ClinGen allele CA479175792.

ClinVar aggregate classification (germline): Likely benign (1 of 4 stars; one submission).

Conditions:
Arrhythmogenic right ventricular cardiomyopathy (ARVD). Also called: Arrhythmogenic right ventricular dysplasia; Cardiomyopathy, ARVC; Arrhythmogenic cardiomyopathy; Arrhythmogenic Right Ventricular Cardiomyopathy (ARVC). Identifiers: Orphanet 247, MedGen C0349788, MeSH D019571, MONDO:0016587. Disease mechanism: loss of function. Inheritance: Various modes of inheritance.

Submission:

All of Us Research Program, National Institutes of Health
Classification: Likely benign for Arrhythmogenic right ventricular cardiomyopathy. Last evaluated: 2023-06-26. Review status: criteria provided, single submitter. Criteria: ACMG Guidelines, 2015. Collection method: clinical testing. Allele origin: germline. Inheritance: Autosomal dominant inheritance. Observed: 1 variant allele, 1 heterozygote.
Comment: This study involves interpretation of variants in research participants for the purpose of population health screening. Participant phenotype was not available at the time of variant classification. Additional details can be found in publication PMID: 35346344, PMCID: PMC8962531